The following is an entry in ClinVar:

ClinVar aggregate classification (germline): Uncertain significance. Review status: criteria provided, multiple submitters, no conflicts (2 of 4 stars). 3 submissions from 3 submitters: Uncertain significance (3). Last evaluated 2025-05-26.

Conditions:
Kabuki syndrome. Also called: NIIKAWA-KUROKI SYNDROME; Kabuki make-up syndrome. Identifiers: Orphanet 2322, MedGen C0796004, MONDO:0016512.
Inborn genetic diseases. Identifiers: MedGen C0950123, MeSH D030342.

Allele frequency attached by ClinVar (database versions not stated): gnomAD exomes below 0.00001; gnomAD 0.00001.
gnomAD v4.1: 8 of 1,599,592 alleles (0.0005%); highest among the groups gnomAD compares: African/African-American, 0.0013%; no homozygotes.

Submissions (3):

Labcorp Genetics (formerly Invitae), Labcorp
Classification: Uncertain significance for Kabuki syndrome. Last evaluated: 2025-05-26. Review status: criteria provided, single submitter. Criteria: Invitae Variant Classification Sherloc (09022015). Collection method: clinical testing. Allele origin: germline.
Comment: This sequence change replaces arginine, which is basic and polar, with histidine, which is basic and polar, at codon 171 of the KMT2D protein (p.Arg171His). This variant is present in population databases (no rsID available, gnomAD 0.004%). This variant has not been reported in the literature in individuals affected with KMT2D-related conditions. This missense change has been observed in at least one individual who was not affected with KMT2D-related conditions (internal data). ClinVar contains an entry for this variant (Variation ID: 1941590). Experimental studies and prediction algorithms are not available or were not evaluated, and the functional significance of this variant is currently unknown. In summary, the available evidence is currently insufficient to determine the role of this variant in disease. Therefore, it has been classified as a Variant of Uncertain Significance.

Revvity Omics, Revvity
Classification: Uncertain significance. Last evaluated: 2024-12-23. Review status: criteria provided, single submitter. Criteria: ACMG Guidelines, 2015. Collection method: clinical testing. Allele origin: germline.

Ambry Genetics
Classification: Uncertain significance for Inborn genetic diseases. Last evaluated: 2023-08-04. Review status: criteria provided, single submitter. Criteria: Ambry Variant Classification Scheme 2023. Collection method: clinical testing. Allele origin: germline.

NM_003482.4(KMT2D):c.512G>A (p.Arg171His)

Gene: KMT2D (lysine methyltransferase 2D; minus strand). Cytogenetic location: 12q13.12.
Variant type: single nucleotide variant.
Coding change: c.512G>A on transcript NM_003482.4 (MANE Select); coding-DNA position 512, G replaced by A.
Protein change: p.Arg171His; replaces arginine 171 with histidine.
Molecular consequence: missense variant.
Genome position (GRCh38, 1-based): chr12:49,054,139, C>T on the plus strand (G>A on the coding strand, the complement: KMT2D is on the minus strand). VCF-style: chr12-49054139-C-T. GRCh37 (hg19) VCF-style: chr12-49447922-C-T.
Other names: short protein forms R171H.
Identifiers: ClinVar variation 1941590 (VCV001941590.8), dbSNP rs1362887681, ClinGen allele CA384686262.
Genomic context (GRCh38, chr12:49,054,139, plus strand): 5'-CGTGGACATCCAGGTGAGCGGCAAGGGATGGAGGCACCGAGCCTGGTGCAGTGGGAGCAG[C>T]GCTGCCAGGGTGAAAAAAGAGCCTCAGTGTCAGCCAGCTCTCCCCAGACAAACAGTTCAG-3'
Protein context (NP_003473.3, residues 161-181): DKAIFSGISQ[Arg171His]CSHCTRLGAS